The following is an entry in ClinVar:

ClinVar aggregate classification (germline): Uncertain significance (1 of 4 stars; one submission).

Submission:

Ambry Genetics
Classification: Uncertain significance. Last evaluated: 2024-12-18. Review status: criteria provided, single submitter. Criteria: Ambry Variant Classification Scheme 2023. Collection method: clinical testing. Allele origin: germline.
Comment: The p.E145G variant (also known as c.434A>G), located in coding exon 5 of the STAP1 gene, results from an A to G substitution at nucleotide position 434. The glutamic acid at codon 145 is replaced by glycine, an amino acid with similar properties. This amino acid position is conserved. In addition, the in silico prediction for this alteration is inconclusive. Based on the available evidence, the clinical significance of this variant remains unclear.

NM_012108.4(STAP1):c.434A>G (p.Glu145Gly)

Gene: STAP1 (signal transducing adaptor family member 1; plus strand). Cytogenetic location: 4q13.2.
Variant type: single nucleotide variant.
Coding change: c.434A>G on transcript NM_012108.4 (MANE Select); coding-DNA position 434, A replaced by G.
Protein change: p.Glu145Gly; replaces glutamic acid 145 with glycine.
Molecular consequence: missense variant.
Genome position (GRCh38, 1-based): chr4:67,581,375, A>G. VCF-style: chr4-67581375-A-G. GRCh37 (hg19) VCF-style: chr4-68447093-A-G.
Other names: c.434A>G, p.Glu145Gly (NM_001317769.2); short protein forms E145G.
Identifiers: ClinVar variation 3802138 (VCV003802138.1).